The following is an entry in ClinVar:

ClinVar aggregate classification (germline): Uncertain significance (1 of 4 stars; one submission).

gnomAD v4.1: 1 of 1,613,454 alleles (0.000062%); highest among the groups gnomAD compares: African/African-American, 0.0013%; no homozygotes.

Submission:

GeneDx
Classification: Uncertain significance. Last evaluated: 2024-07-30. Review status: criteria provided, single submitter. Criteria: GeneDx Variant Classification Process June 2021. Collection method: clinical testing. Allele origin: germline. Affected: yes.
Comment: Not observed at significant frequency in large population cohorts (gnomAD); In silico analysis indicates that this missense variant does not alter protein structure/function; Has not been previously published as pathogenic or benign to our knowledge

NM_030632.3(ASXL3):c.1413G>T (p.Lys471Asn)

Gene: ASXL3 (ASXL transcriptional regulator 3; plus strand). Cytogenetic location: 18q12.1.
Variant type: single nucleotide variant.
Coding change: c.1413G>T on transcript NM_030632.3 (MANE Select); coding-DNA position 1413, G replaced by T.
Protein change: p.Lys471Asn; replaces lysine 471 with asparagine.
Molecular consequence: missense variant.
Genome position (GRCh38, 1-based): chr18:33,738,817, G>T. VCF-style: chr18-33738817-G-T. GRCh37 (hg19) VCF-style: chr18-31318781-G-T.
Other names: short protein forms K471N.
Identifiers: ClinVar variation 3602207 (VCV003602207.1).